The following is an entry in ClinVar:

NM_018136.5(ASPM):c.2419+204C>T

Gene: ASPM (assembly factor for spindle microtubules; minus strand). Cytogenetic location: 1q31.3.
Variant type: single nucleotide variant.
Coding change: c.2419+204C>T on transcript NM_018136.5 (MANE Select); 204 bases into the intron after coding-DNA position 2419, C replaced by T.
Molecular consequence: intron variant.
Genome position (GRCh38, 1-based): chr1:197,133,146, G>A on the plus strand (C>T on the coding strand, the complement: ASPM is on the minus strand). VCF-style: chr1-197133146-G-A. GRCh37 (hg19) VCF-style: chr1-197102276-G-A.
Other names: c.2419+204C>T (NM_001206846.2).
Identifiers: ClinVar variation 677548 (VCV000677548.1), dbSNP rs79246047, ClinGen allele CA35855892.
Genomic context (GRCh38, chr1:197,133,146, plus strand): 5'-TATACTTGAAATTTGCTGAGAGTACTTCTTAAATGTTTTCACCACACATACACACAAGAA[G>A]GTAACTATGTGAGTAGATACATTAATTAGCTTGATTGTTATAATCATTTAATAATATATA-3'

ClinVar aggregate classification (germline): Benign (1 of 4 stars; one submission).

Allele frequency attached by ClinVar (database versions not stated): gnomAD 0.02603 and 0.02799; 1000 Genomes Project 0.02756; TOPMed 0.02823; 1000 Genomes Project 30x 0.03061.
gnomAD v4.1: 3,916 of 152,080 alleles (2.6%); highest among the groups gnomAD compares: African/African-American, 8.8%; 165 homozygotes.

Submission:

GeneDx
Classification: Benign. Last evaluated: 2018-06-16. Review status: criteria provided, single submitter. Criteria: GeneDx Variant Classification (06012015). Collection method: clinical testing. Allele origin: germline. Affected: yes.
Comment: This variant is considered likely benign or benign based on one or more of the following criteria: it is a conservative change, it occurs at a poorly conserved position in the protein, it is predicted to be benign by multiple in silico algorithms, and/or has population frequency not consistent with disease.